The following is an entry in ClinVar:

NM_000548.5(TSC2):c.3695_3700delinsTA (p.Ser1232fs)

Gene: TSC2 (TSC complex subunit 2; plus strand). Cytogenetic location: 16p13.3.
Variant type: Indel.
Coding change: c.3695_3700delinsTA on transcript NM_000548.5 (MANE Select); coding-DNA positions 3695 to 3700, CTAACG replaced by TA.
Protein change: p.Ser1232fs; shifts the reading frame from serine 1232.
Molecular consequence: frameshift variant. On other transcripts: non-coding transcript variant (5).
Genome position (GRCh38, 1-based): chr16:2,081,679-2,081,684, CTAACG replaced by TA. VCF-style: chr16-2081679-CTAACG-TA. GRCh37 (hg19) VCF-style: chr16-2131680-CTAACG-TA.
Other names: c.3563_3568delinsTA, p.Ser1188fs (NM_001077183.3, NM_001370404.1, NM_001406665.1); c.3695_3700delinsTA, p.Ser1232fs (NM_001114382.3); c.3455_3460delinsTA, p.Ser1152fs (NM_001318827.2); c.3419_3424delinsTA, p.Ser1140fs (NM_001318829.2); c.2963_2968delinsTA, p.Ser988fs (NM_001318831.2, NM_001406687.1, NM_001406688.1); c.3596_3601delinsTA, p.Ser1199fs (NM_001318832.2); c.3566_3571delinsTA, p.Ser1189fs (NM_001363528.2, NM_001370405.1, NM_021055.3); c.3692_3697delinsTA, p.Ser1231fs (NM_001406663.1, NM_001406664.1); and 18 more; short protein forms S1031fs, S1032fs, S1035fs, S1139fs, S1140fs, S1151fs, S1152fs, S1169fs.
Identifiers: ClinVar variation 2633824 (VCV002633824.1), dbSNP rs2544156694, ClinGen allele CA2695197418.
Genomic context (GRCh38, chr16:2,081,679, plus strand): 5'-TGGAGAACCCGCTCAGCCCTTTCTCCTCGGACATCAACAACATGCCCCTGCAGGAGCTGT[CTAACG>TA]CCCTCATGGCGGCTGAGCGCTTCAAGGAGCACCGGGACACAGCCCTGTACAAGTCACTGT-3'

ClinVar aggregate classification (germline): Likely pathogenic (1 of 4 stars; one submission).

Conditions:
TSC2-related disorder. Also called: TSC2-Related Disorders; TSC2-related condition.

Submission:

PreventionGenetics, part of Exact Sciences
Classification: Likely pathogenic for TSC2-related condition. Last evaluated: 2023-03-31. Review status: criteria provided, single submitter. Criteria: ACMG Guidelines, 2015. Collection method: clinical testing. Allele origin: germline.
Comment: The TSC2 c.3695_3700delinsTA variant is predicted to result in a frameshift and premature protein termination (p.Ser1232Leufs*92). To our knowledge, this variant has not been reported in the literature or in a large population database, indicating this variant is rare. Frameshift variants in TSC2 are expected to be pathogenic. This variant is interpreted as likely pathogenic.